The following is an entry in ClinVar:

NM_001113490.2(AMOT):c.2T>C (p.Met1Thr)

Gene: AMOT (angiomotin; minus strand). Cytogenetic location: Xq23.
Variant type: single nucleotide variant.
Coding change: c.2T>C on transcript NM_001113490.2 (MANE Select); coding-DNA position 2, T replaced by C.
Protein change: p.Met1Thr; changes the start codon (methionine 1).
Molecular consequence: missense variant, initiator codon variant. On other transcripts: intron variant (1).
Genome position (GRCh38, 1-based): chrX:112,823,125, A>G on the plus strand (T>C on the coding strand, the complement: AMOT is on the minus strand). VCF-style: chrX-112823125-A-G. GRCh37 (hg19) VCF-style: chrX-112066353-A-G.
Other names: c.2T>C, p.Met1Thr (NM_001386998.1, NM_001386999.1); c.-355-7248T>C (NM_133265.5); short protein forms M1T.
Identifiers: ClinVar variation 3897644 (VCV003897644.1).

ClinVar aggregate classification (germline): Uncertain significance (1 of 4 stars; one submission).

Submission:

Hadassah Hebrew University Medical Center
Classification: Uncertain significance. Review status: criteria provided, single submitter. Criteria: ACMG Guidelines, 2015. Collection method: clinical testing. Allele origin: germline. Inheritance: X-linked inheritance. Affected: yes.
Comment: The variant cosegregates with the phenotype in six males; in vitro functional studies support pathogenicity.